The following is an entry in ClinVar:

ClinVar aggregate classification (germline): Pathogenic (1 of 4 stars; one submission).

Conditions:
Developmental and epileptic encephalopathy 94 (DEE94). Also called: Epileptic encephalopathy, childhood-onset; CHD2-Related Neurodevelopmental Disorders. Identifiers: Orphanet 1942, Orphanet 2382, MedGen C3809278, MONDO:0014150, OMIM 615369.

Submission:

Labcorp Genetics (formerly Invitae), Labcorp
Classification: Pathogenic for Developmental and epileptic encephalopathy 94. Last evaluated: 2023-07-17. Review status: criteria provided, single submitter. Criteria: Invitae Variant Classification Sherloc (09022015). Collection method: clinical testing. Allele origin: germline.
Comment: This variant is not present in population databases (gnomAD no frequency). This sequence change creates a premature translational stop signal (p.Leu477*) in the CHD2 gene. It is expected to result in an absent or disrupted protein product. Loss-of-function variants in CHD2 are known to be pathogenic (PMID: 23708187, 24207121). This variant has not been reported in the literature in individuals affected with CHD2-related conditions. For these reasons, this variant has been classified as Pathogenic.

Literature cited by the submitters: PubMed 23708187; PubMed 24207121.

NM_001271.4(CHD2):c.1430del (p.Tyr476_Leu477insTer)

Gene: CHD2 (chromodomain helicase DNA binding protein 2; plus strand). Cytogenetic location: 15q26.1.
Variant type: Deletion.
Coding change: c.1430del on transcript NM_001271.4 (MANE Select); coding-DNA position 1430, one base deleted (T; older notation c.1430delT).
Protein change: p.Tyr476_Leu477insTer.
Molecular consequence: nonsense.
Genome position (GRCh38, 1-based): chr15:92,949,004, T deleted; the last of 3 consecutive T bases (chr15:92,949,002-92,949,004); deleting any one gives the same sequence. VCF-style (leftmost placement, unchanged base first): chr15-92949001-AT-A. GRCh37 (hg19) VCF-style: chr15-93492231-AT-A.
Other names: c.1430del, p.Tyr476_Leu477insTer (NM_001042572.3).
Identifiers: ClinVar variation 2744551 (VCV002744551.3), dbSNP rs2505468747, ClinGen allele CA2697549403.
Genomic context (GRCh38, chr15:92,949,001, plus strand): 5'-TTGTTTTTCAGGCCCTGAAGCAGAGACCACGATTTGTAGCTTTAAAGAAACAACCTGCAT[AT>A]TTAGGAGGGGAGAATCTGGAACTTCGAGATTATCAGCTAGAAGGTCTAAACTGGCTAGCT-3'